The following is an entry in ClinVar:

NM_001369.3(DNAH5):c.4222C>T (p.Gln1408Ter)

Genes: DNAH5 (dynein axonemal heavy chain 5; minus strand), DNAH5-AS1 (DNAH5 antisense RNA 1; plus strand). Cytogenetic location: 5p15.2.
Variant type: single nucleotide variant.
Coding change: c.4222C>T on transcript NM_001369.3 (MANE Select); coding-DNA position 4222, C replaced by T.
Protein change: p.Gln1408Ter; replaces glutamine 1408 with a stop codon.
Molecular consequence: nonsense.
Genome position (GRCh38, 1-based): chr5:13,865,801, G>A on the plus strand (C>T on the coding strand, the complement: DNAH5 is on the minus strand). VCF-style: chr5-13865801-G-A. GRCh37 (hg19) VCF-style: chr5-13865910-G-A.
Other names: short protein forms Q1408*.
Identifiers: ClinVar variation 5012394 (VCV005012394.1).
Genomic context (GRCh38, chr5:13,865,801, plus strand): 5'-TATTTACAGTTTCTATGACACTGTTGTACAGAGTATATATTTTCTGTAGAAGATTTAGTT[G>A]CTTCTTTATTTCAAGAAGCTGAGGATACTGTGTAGCTGGCAGGCCAAAAAGCTCCTCTCC-3'

ClinVar aggregate classification (germline): Pathogenic (1 of 4 stars; one submission).

Conditions:
Primary ciliary dyskinesia 3. Identifiers: Orphanet 244, MedGen C1837618, MONDO:0012085, OMIM 608644.

Submission:

Myriad Genetics, Inc.
Classification: Pathogenic for Primary ciliary dyskinesia 3. Last evaluated: 2023-10-15. Review status: criteria provided, single submitter. Criteria: Myriad Autosomal Dominant, Autosomal Recessive and X-Linked Classification Criteria (2023). Collection method: clinical testing. Allele origin: unknown.
Comment: NM_001369.2(DNAH5):c.4222C>T(Q1408*) is expected to be pathogenic in the context of primary ciliary dyskinesia, DNAH5-related. This variant is predicted to lead to an abnormal or absent protein product due to the creation of a premature termination codon in DNAH5, a gene where loss-of-function variants are known to be pathogenic. Please note: this variant was assessed in the context of healthy population screening.